The following is an entry in ClinVar:

ClinVar aggregate classification (germline): Uncertain significance. Review status: criteria provided, multiple submitters, no conflicts (2 of 4 stars). 2 submissions from 2 submitters: Uncertain significance (2). Last evaluated 2025-04-09.

Conditions:
Cardiovascular phenotype. Identifiers: MedGen CN230736.

Allele frequency attached by ClinVar (database versions not stated): TOPMed below 0.00001; gnomAD 0.00001.
gnomAD v4.1: 4 of 1,614,022 alleles (0.00025%); highest among the groups gnomAD compares: Non-Finnish European, 0.00034%; no homozygotes.

Submissions (2):

Molecular Diagnostic Laboratory for Inherited Cardiovascular Disease, Montreal Heart Institute
Classification: Uncertain significance for Cardiovascular phenotype. Last evaluated: 2025-04-09. Review status: criteria provided, single submitter. Criteria: ACMG Guidelines, 2015. Collection method: clinical testing. Allele origin: germline. Affected: yes.
Comment: PM2, BP4

Ambry Genetics
Classification: Uncertain significance for Cardiovascular phenotype. Last evaluated: 2019-05-20. Review status: criteria provided, single submitter. Criteria: Ambry Variant Classification Scheme 2023. Collection method: clinical testing. Allele origin: germline.
Comment: The p.I59V variant (also known as c.175A>G), located in coding exon 2 of the ACTN2 gene, results from an A to G substitution at nucleotide position 175. The isoleucine at codon 59 is replaced by valine, an amino acid with highly similar properties. This amino acid position is highly conserved in available vertebrate species. In addition, the in silico prediction for this alteration is inconclusive. Since supporting evidence is limited at this time, the clinical significance of this alteration remains unclear.

NM_001103.4(ACTN2):c.175A>G (p.Ile59Val)

Gene: ACTN2 (actinin alpha 2; plus strand). Cytogenetic location: 1q43.
Variant type: single nucleotide variant.
Coding change: c.175A>G on transcript NM_001103.4 (MANE Select); coding-DNA position 175, A replaced by G.
Protein change: p.Ile59Val; replaces isoleucine 59 with valine.
Molecular consequence: missense variant. On other transcripts: 5 prime UTR variant (1).
Genome position (GRCh38, 1-based): chr1:236,717,906, A>G. VCF-style: chr1-236717906-A-G. GRCh37 (hg19) VCF-style: chr1-236881206-A-G.
Other names: c.175A>G, p.Ile59Val (NM_001278343.2); c.-647A>G (NM_001278344.2); c.-772A>G (NM_001412150.1); c.175A>G (NM_001103.3); short protein forms I59V.
Identifiers: ClinVar variation 1779540 (VCV001779540.3), dbSNP rs1412151385, ClinGen allele CA345373277.